The following is an entry in ClinVar:

ClinVar aggregate classification (germline): Likely pathogenic (1 of 4 stars; one submission).

Conditions:
Cystinosis. Also called: Cystine diathesis; Cystine storage disease; Cystinoses. Identifiers: Orphanet 213, MedGen C4316899, MONDO:0016239.

Submission:

Women's Health and Genetics/Laboratory Corporation of America, LabCorp
Classification: Likely pathogenic for Cystinosis. Last evaluated: 2023-02-10. Review status: criteria provided, single submitter. Criteria: LabCorp Variant Classification Summary - May 2015. Collection method: clinical testing. Allele origin: germline.
Comment: Variant summary: CTNS c.850C>T (p.Gln284X) results in a premature termination codon, predicted to cause a truncation of the encoded protein or absence of the protein due to nonsense mediated decay, which are commonly known mechanisms for disease. Truncations downstream of this position have been classified as pathogenic by our laboratory. The variant was absent in 250712 control chromosomes (gnomAD). c.850C>T has been reported in an individual affected with Cystinosis and was homozygous for this variant (example: Yeetong_2012). These data indicate that the variant may be associated with disease. To our knowledge, no experimental evidence demonstrating an impact on protein function has been reported. No clinical diagnostic laboratories have submitted clinical-significance assessments for this variant to ClinVar after 2014. Based on the evidence outlined above, the variant was classified as likely pathogenic.

Literature cited by the submitters: PubMed 22450360.

NM_004937.3(CTNS):c.850C>T (p.Gln284Ter)

Gene: CTNS (cystinosin, lysosomal cystine transporter; plus strand). Cytogenetic location: 17p13.2.
Variant type: single nucleotide variant.
Coding change: c.850C>T on transcript NM_004937.3 (MANE Select); coding-DNA position 850, C replaced by T.
Protein change: p.Gln284Ter; replaces glutamine 284 with a stop codon.
Molecular consequence: nonsense.
Genome position (GRCh38, 1-based): chr17:3,658,173, C>T. VCF-style: chr17-3658173-C-T. GRCh37 (hg19) VCF-style: chr17-3561467-C-T.
Other names: c.850C>T, p.Gln284Ter (NM_001031681.3, NM_001374492.1); c.409C>T, p.Gln137Ter (NM_001374493.1, NM_001374494.1, NM_001374495.1 and 1 more transcripts); c.850C>T (NM_004937.2); short protein forms Q137*, Q284*.
Identifiers: ClinVar variation 2445774 (VCV002445774.1), dbSNP rs2507777392, ClinGen allele CA397692768.
Genomic context (GRCh38, chr17:3,658,173, plus strand): 5'-CAGTTTCTCTTCTGCTTCTCCTACATCAAGCTCGCAGTCACGCTGGTCAAGTATTTTCCA[C>T]AGGTACCTCCAGGGCCCTGTTCACATGGCCGGTGGCAGGAGAGGTGAGAGCTACATGGCC-3'